The following is an entry in ClinVar:

ClinVar aggregate classification (germline): Uncertain significance. Review status: criteria provided, multiple submitters, no conflicts (2 of 4 stars). 4 submissions from 4 submitters: Uncertain significance (4). Last evaluated 2025-07-25.

Conditions:
Hereditary cancer-predisposing syndrome. Also called: Tumor predisposition; Hereditary neoplastic syndrome; Neoplastic Syndromes, Hereditary; Hereditary Cancer Syndrome. Identifiers: Orphanet 140162, MedGen C0027672, MeSH D009386, MONDO:0015356.
Familial adenomatous polyposis 1 (FAP1). Also called: FAMILIAL ADENOMATOUS POLYPOSIS 1, ATTENUATED; POLYPOSIS, ADENOMATOUS INTESTINAL. Identifiers: MedGen C2713442, MONDO:0021056, OMIM 175100. Disease mechanism: loss of function.
Classic or attenuated familial adenomatous polyposis. Identifiers: MedGen CN372698, MONDO:0021057.

Submissions (4):

Color Diagnostics, LLC DBA Color Health
Classification: Uncertain significance for Hereditary cancer-predisposing syndrome. Last evaluated: 2025-07-25. Review status: criteria provided, single submitter. Criteria: ACMG Guidelines, 2015. Collection method: clinical testing. Allele origin: germline.
Comment: This missense variant replaces valine with aspartic acid at codon 442 of the APC protein. Computational prediction suggests that this variant may not impact protein structure and function. To our knowledge, functional studies have not been reported for this variant. This variant has not been reported in individuals affected with APC-related disorders in the literature. This variant has not been identified in the general population by the Genome Aggregation Database (gnomAD). The available evidence is insufficient to determine the role of this variant in disease conclusively. Therefore, this variant is classified as a Variant of Uncertain Significance.

Labcorp Genetics (formerly Invitae), Labcorp
Classification: Uncertain significance for Familial adenomatous polyposis 1. Last evaluated: 2024-04-23. Review status: criteria provided, single submitter. Criteria: Invitae Variant Classification Sherloc (09022015). Collection method: clinical testing. Allele origin: germline.
Comment: This sequence change replaces valine, which is neutral and non-polar, with aspartic acid, which is acidic and polar, at codon 442 of the APC protein (p.Val442Asp). This variant is not present in population databases (gnomAD no frequency). This variant has not been reported in the literature in individuals affected with APC-related conditions. ClinVar contains an entry for this variant (Variation ID: 818937). Advanced modeling of protein sequence and biophysical properties (such as structural, functional, and spatial information, amino acid conservation, physicochemical variation, residue mobility, and thermodynamic stability) performed at Invitae indicates that this missense variant is not expected to disrupt APC protein function with a negative predictive value of 95%. In summary, the available evidence is currently insufficient to determine the role of this variant in disease. Therefore, it has been classified as a Variant of Uncertain Significance.

All of Us Research Program, National Institutes of Health
Classification: Uncertain significance for Classic or attenuated familial adenomatous polyposis. Last evaluated: 2023-06-26. Review status: criteria provided, single submitter. Criteria: ACMG Guidelines, 2015. Collection method: clinical testing. Allele origin: germline. Inheritance: Autosomal dominant inheritance. Observed: 2 variant alleles, 2 heterozygotes.
Comment: This missense variant replaces valine with aspartic acid at codon 442 of the APC protein. Computational prediction suggests that this variant may not impact protein structure and function (internally defined REVEL score threshold <= 0.5, PMID: 27666373). To our knowledge, functional studies have not been reported for this variant. This variant has not been reported in individuals affected with APC-related disorders in the literature. This variant has not been identified in the general population by the Genome Aggregation Database (gnomAD). The available evidence is insufficient to determine the role of this variant in disease conclusively. Therefore, this variant is classified as a Variant of Uncertain Significance.

This study involves interpretation of variants in research participants for the purpose of population health screening. Participant phenotype was not available at the time of variant classification. Additional details can be found in publication PMID: 35346344, PMCID: PMC8962531

Ambry Genetics
Classification: Uncertain significance for Hereditary cancer-predisposing syndrome. Last evaluated: 2019-09-17. Review status: criteria provided, single submitter. Criteria: Ambry Variant Classification Scheme 2023. Collection method: clinical testing. Allele origin: germline.
Comment: The p.V442D variant (also known as c.1325T>A), located in coding exon 10 of the APC gene, results from a T to A substitution at nucleotide position 1325. The valine at codon 442 is replaced by aspartic acid, an amino acid with highly dissimilar properties. This amino acid position is highly conserved in available vertebrate species. In addition, in silico predictors for this gene do not accurately predict pathogenicity. Since supporting evidence is limited at this time, the clinical significance of this alteration remains unclear.

NM_000038.6(APC):c.1325T>A (p.Val442Asp)

Gene: APC (APC regulator of Wnt signaling pathway; plus strand). Cytogenetic location: 5q22.2.
Variant type: single nucleotide variant.
Coding change: c.1325T>A on transcript NM_000038.6 (MANE Select); coding-DNA position 1325, T replaced by A.
Protein change: p.Val442Asp; replaces valine 442 with aspartic acid.
Molecular consequence: missense variant.
Genome position (GRCh38, 1-based): chr5:112,821,908, T>A. VCF-style: chr5-112821908-T-A. GRCh37 (hg19) VCF-style: chr5-112157605-T-A.
Other names: c.1325T>A, p.Val442Asp (NM_001127510.3, NM_001354895.2, NM_001354896.2); c.1271T>A, p.Val424Asp (NM_001127511.3); c.1355T>A, p.Val452Asp (NM_001354897.2); c.1250T>A, p.Val417Asp (NM_001354898.2); c.1241T>A, p.Val414Asp (NM_001354899.2); c.1148T>A, p.Val383Asp (NM_001354900.2, NM_001354901.2); c.1052T>A, p.Val351Asp (NM_001354902.2); c.1022T>A, p.Val341Asp (NM_001354903.2); and 3 more; short protein forms V316D, V383D, V442D, V282D, V351D, V414D, V417D, V424D.
Identifiers: ClinVar variation 818937 (VCV000818937.11), dbSNP rs1580541876, ClinGen allele CA16024206.